The following is an entry in ClinVar:

NM_133459.4(CCBE1):c.2T>C (p.Met1Thr)

Gene: CCBE1 (collagen and calcium binding EGF domains 1; minus strand). Cytogenetic location: 18q21.32.
Variant type: single nucleotide variant.
Coding change: c.2T>C on transcript NM_133459.4 (MANE Select); coding-DNA position 2, T replaced by C.
Protein change: p.Met1Thr; changes the start codon (methionine 1).
Molecular consequence: missense variant, initiator codon variant.
Genome position (GRCh38, 1-based): chr18:59,697,341, A>G on the plus strand (T>C on the coding strand, the complement: CCBE1 is on the minus strand). VCF-style: chr18-59697341-A-G. GRCh37 (hg19) VCF-style: chr18-57364573-A-G.
Other names: short protein forms M1T.
Identifiers: ClinVar variation 2298325 (VCV002298325.3), dbSNP rs2511613178, ClinGen allele CA402717636.
Genomic context (GRCh38, chr18:59,697,341, plus strand): 5'-CCCAGGCTCCTGCCCAGCTGGCCCCTGGCAGCTCCTCCCCGGCTCGGAGGCGGCGGCACC[A>G]TCAGGGAAGCTCCCGGCTTCTTCCCAGCGCCGAGCTCCGTCCGGACCAAGCGTCCTGCTC-3'
Protein context (NP_597716.1, residues 1-11): [Met1Thr]VPPPPSRGGA

ClinVar aggregate classification (germline): Uncertain significance (1 of 4 stars; one submission).

Conditions:
Inborn genetic diseases. Identifiers: MedGen C0950123, MeSH D030342.

Submission:

Ambry Genetics
Classification: Uncertain significance for Inborn genetic diseases. Last evaluated: 2022-08-03. Review status: criteria provided, single submitter. Criteria: Ambry Variant Classification Scheme 2023. Collection method: clinical testing. Allele origin: germline.
Comment: Loss of function has not been established as a mechanism of disease Based on insufficient or conflicting evidence, the clinical significance of this alteration remains unclear.